The following is an entry in ClinVar:

NM_001042681.2(RERE):c.53A>C (p.Asp18Ala)

Gene: RERE (arginine-glutamic acid dipeptide repeats; minus strand). Cytogenetic location: 1p36.23.
Variant type: single nucleotide variant.
Coding change: c.53A>C on transcript NM_001042681.2 (MANE Select); coding-DNA position 53, A replaced by C.
Protein change: p.Asp18Ala; replaces aspartic acid 18 with alanine.
Molecular consequence: missense variant.
Genome position (GRCh38, 1-based): chr1:8,656,245, T>G on the plus strand (A>C on the coding strand, the complement: RERE is on the minus strand). VCF-style: chr1-8656245-T-G. GRCh37 (hg19) VCF-style: chr1-8716304-T-G.
Other names: c.53A>C, p.Asp18Ala (NM_012102.4); short protein forms D18A.
Identifiers: ClinVar variation 1690408 (VCV001690408.4), dbSNP rs2124333365, ClinGen allele CA338223248.

ClinVar aggregate classification (germline): Uncertain significance. Review status: criteria provided, multiple submitters, no conflicts (2 of 4 stars). 2 submissions from 2 submitters: Uncertain significance (2). Last evaluated 2025-07-04.

Submissions (2):

Dasa
Classification: Uncertain significance. Last evaluated: 2025-07-04. Review status: criteria provided, single submitter. Criteria: DASA Assertion Criteria. Collection method: clinical testing. Allele origin: germline.
Comment: NM_001042681.2(RERE):c.53A>C (p.Asp18Ala) is a missense variant that results in the substitution of aspartic acid with alanine. This variant is absent from population databases. Computational prediction algorithms are consistent with a benign effect. The currently available literature and clinical evidence are not sufficient to establish a definitive association between this variant and the reported condition. Therefore, this variant is classified as a variant of uncertain significance.

Laboratorio de Genetica e Diagnostico Molecular, Hospital Israelita Albert Einstein
Classification: Uncertain significance. Last evaluated: 2021-06-21. Review status: criteria provided, single submitter. Criteria: ACMG Guidelines, 2015. Collection method: clinical testing. Allele origin: germline. Affected: yes.
Comment: ACMG classification criteria: PM2, BP4